The following is an entry in ClinVar:

NM_001384732.1(CPLANE1):c.2326dup (p.Thr776fs)

Gene: CPLANE1 (ciliogenesis and planar polarity effector complex subunit 1; minus strand). Cytogenetic location: 5p13.2.
Variant type: Duplication.
Coding change: c.2326dup on transcript NM_001384732.1 (MANE Select); coding-DNA position 2326, one base duplicated (A; older notation c.2326dupA).
Protein change: p.Thr776fs; shifts the reading frame from threonine 776.
Molecular consequence: frameshift variant.
Genome position (GRCh38, 1-based): chr5:37,224,706, T duplicated on the plus strand (A on the coding strand, the reverse complement: CPLANE1 is on the minus strand); the first of 7 consecutive T bases (chr5:37,224,706-37,224,712); duplicating any one gives the same sequence. VCF-style (leftmost placement, unchanged base first): chr5-37224705-G-GT. GRCh37 (hg19) VCF-style: chr5-37224807-G-GT.
Other names: c.2326dup, p.Thr776fs (NM_023073.4); c.2326dupA (NM_023073.3); c.2326dup (NM_023073.3); short protein forms T776fs.
Identifiers: ClinVar variation 3348737 (VCV003348737.4).
Genomic context (GRCh38, chr5:37,224,705, plus strand): 5'-TCAGTTAACTGACTATCAGCTTCAGGAACTCTTCGATTTAATTGTGCTTGATACCATAAA[G>GT]TTTTTTTGTACAGTATTCTCCAGAGAATAAGCAATCTGCACATAAAATCAGGTAATTATC-3'

ClinVar aggregate classification (germline): Pathogenic/Likely pathogenic. Review status: criteria provided, multiple submitters, no conflicts (2 of 4 stars). 4 submissions from 4 submitters: Pathogenic (1); Likely pathogenic (2). 1 of the submissions does not count toward it. Last evaluated 2026-01-31.

Conditions:
C5ORF42-related disorders.
CPLANE1-related disorder. Also called: CPLANE1-related condition.
Orofaciodigital syndrome type 6 (OFD6). Also called: OROFACIODIGITAL SYNDROME VI; OFDS VI; POLYDACTYLY, CLEFT LIP/PALATE OR LINGUAL LUMP, AND PSYCHOMOTOR RETARDATION; VARADI SYNDROME; VARADI-PAPP SYNDROME; Oral-facial-digital syndrome type 6. Identifiers: Orphanet 2754, MedGen C2745997, MONDO:0010176, OMIM 277170.
Joubert syndrome 17 (JBTS17). Identifiers: Orphanet 475, MedGen C3553264, MONDO:0013824, OMIM 614615.

Submissions (4):

Labcorp Genetics (formerly Invitae), Labcorp
Classification: Pathogenic. Last evaluated: 2026-01-31. Review status: criteria provided, single submitter. Criteria: Invitae Variant Classification Sherloc (09022015). Collection method: clinical testing. Allele origin: germline.
Comment: This sequence change creates a premature translational stop signal (p.Thr776Asnfs*14) in the CPLANE1 gene. It is expected to result in an absent or disrupted protein product. Loss-of-function variants in CPLANE1 are known to be pathogenic (PMID: 24178751, 26092869). This variant is present in population databases (no rsID available, gnomAD 0.006%). This variant has not been reported in the literature in individuals affected with CPLANE1-related conditions. ClinVar contains an entry for this variant (Variation ID: 3348737). For these reasons, this variant has been classified as Pathogenic.

Fulgent Genetics
Classification: Likely pathogenic for Orofaciodigital syndrome type 6; Joubert syndrome 17. Last evaluated: 2024-04-30. Review status: criteria provided, single submitter. Criteria: ACMG Guidelines, 2015. Collection method: clinical testing. Allele origin: germline.

Blueprint Genetics
Classification: Likely pathogenic for C5ORF42-related disorders. Last evaluated: 2020-02-07. Review status: criteria provided, single submitter. Criteria: ACMG Guidelines, 2015. Collection method: clinical testing. Allele origin: germline. Affected: yes. Observed: 1 variant allele.

PreventionGenetics, part of Exact Sciences
Classification: Likely pathogenic for CPLANE1-related condition. Last evaluated: 2024-05-15. Review status: no assertion criteria provided. Collection method: clinical testing. Allele origin: germline. Not counted in ClinVar's aggregate classification.
Comment: The CPLANE1 c.2326dupA variant is predicted to result in a frameshift and premature protein termination (p.Thr776Asnfs*14). To our knowledge, this variant has not been reported in the literature. This variant is reported in 0.0059% of alleles in individuals of European (Finnish) descent in gnomAD. Frameshift variants in CPLANE1 are expected to be pathogenic. This variant is interpreted as likely pathogenic.

Literature cited by the submitters: PubMed 24178751 (cited by Labcorp Genetics (formerly Invitae), Labcorp); PubMed 26092869 (cited by Labcorp Genetics (formerly Invitae), Labcorp).